The following is an entry in ClinVar:

ClinVar aggregate classification (germline): Uncertain significance. Review status: criteria provided, multiple submitters, no conflicts (2 of 4 stars). 2 submissions from 2 submitters: Uncertain significance (2). Last evaluated 2024-09-11.

Conditions:
Inborn genetic diseases. Identifiers: MedGen C0950123, MeSH D030342.

Allele frequency attached by ClinVar (database versions not stated): gnomAD 0.00001; gnomAD exomes 0.00001; TOPMed 0.00001.
gnomAD v4.1: 4 of 1,575,250 alleles (0.00025%); highest among the groups gnomAD compares: Non-Finnish European, 0.00034%; no homozygotes.

Submissions (2):

Ambry Genetics
Classification: Uncertain significance for Inborn genetic diseases. Last evaluated: 2024-09-11. Review status: criteria provided, single submitter. Criteria: Ambry Variant Classification Scheme 2023. Collection method: clinical testing. Allele origin: germline.

Labcorp Genetics (formerly Invitae), Labcorp
Classification: Uncertain significance. Last evaluated: 2021-11-22. Review status: criteria provided, single submitter. Criteria: Invitae Variant Classification Sherloc (09022015). Collection method: clinical testing. Allele origin: germline.
Comment: This sequence change replaces lysine, which is basic and polar, with asparagine, which is neutral and polar, at codon 185 of the NR2E3 protein (p.Lys185Asn). The frequency data for this variant in the population databases is considered unreliable, as metrics indicate poor data quality at this position in the gnomAD database. This variant has not been reported in the literature in individuals affected with NR2E3-related conditions. Experimental studies and prediction algorithms are not available or were not evaluated, and the functional significance of this variant is currently unknown. In summary, the available evidence is currently insufficient to determine the role of this variant in disease. Therefore, it has been classified as a Variant of Uncertain Significance.

NM_014249.4(NR2E3):c.555G>T (p.Lys185Asn)

Gene: NR2E3 (nuclear receptor subfamily 2 group E member 3; plus strand). Cytogenetic location: 15q23.
Variant type: single nucleotide variant.
Coding change: c.555G>T on transcript NM_014249.4 (MANE Select); coding-DNA position 555, G replaced by T.
Protein change: p.Lys185Asn; replaces lysine 185 with asparagine.
Molecular consequence: missense variant.
Genome position (GRCh38, 1-based): chr15:71,812,160, G>T. VCF-style: chr15-71812160-G-T. GRCh37 (hg19) VCF-style: chr15-72104500-G-T.
Other names: c.555G>T, p.Lys185Asn (NM_016346.4); c.555G>T (NM_014249.2); short protein forms K185N.
Identifiers: ClinVar variation 1501414 (VCV001501414.4), dbSNP rs1177007813, ClinGen allele CA393034944.
Genomic context (GRCh38, chr15:71,812,160, plus strand): 5'-AGCCAGAGCCCTGGGCCACCACTTCATGGCCAGCCTTATAACAGCTGAAACCTGTGCTAA[G>T]CTGGAGCCAGAGGATGGTGAGTGGGAGAGCAGCTGAGGGCACAGCAGGGCTTGGCTTCCC-3'
Protein context (NP_055064.1, residues 175-195): ASLITAETCA[Lys185Asn]LEPEDADENI